The following is an entry in ClinVar:

NM_022841.7(RFX7):c.2797C>A (p.His933Asn)

Gene: RFX7 (regulatory factor X7; minus strand). Cytogenetic location: 15q21.3.
Variant type: single nucleotide variant.
Coding change: c.2797C>A on transcript NM_022841.7 (MANE Select); coding-DNA position 2797, C replaced by A.
Protein change: p.His933Asn; replaces histidine 933 with asparagine.
Molecular consequence: missense variant.
Genome position (GRCh38, 1-based): chr15:56,094,931, G>T on the plus strand (C>A on the coding strand, the complement: RFX7 is on the minus strand). VCF-style: chr15-56094931-G-T. GRCh37 (hg19) VCF-style: chr15-56387129-G-T.
Other names: c.2506C>A, p.His836Asn (NM_001368073.2, NM_001368074.1, NM_001370554.1); c.2797C>A, p.His933Asn (NM_001370561.1); short protein forms H836N, H933N.
Identifiers: ClinVar variation 3774865 (VCV003774865.1).

ClinVar aggregate classification (germline): Uncertain significance (1 of 4 stars; one submission).

Submission:

GeneDx
Classification: Uncertain significance. Last evaluated: 2024-09-29. Review status: criteria provided, single submitter. Criteria: GeneDx Variant Classification Process June 2021. Collection method: clinical testing. Allele origin: germline. Affected: yes.
Comment: Not observed at significant frequency in large population cohorts (gnomAD); In silico analysis indicates that this missense variant does not alter protein structure/function; Has not been previously published as pathogenic or benign to our knowledge